The following is an entry in ClinVar:

NM_015909.4(NBAS):c.1361C>G (p.Pro454Arg)

Gene: NBAS (NBAS subunit of NRZ tethering complex; minus strand). Cytogenetic location: 2p24.3.
Variant type: single nucleotide variant.
Coding change: c.1361C>G on transcript NM_015909.4 (MANE Select); coding-DNA position 1361, C replaced by G.
Protein change: p.Pro454Arg; replaces proline 454 with arginine.
Molecular consequence: missense variant. On other transcripts: non-coding transcript variant (1).
Genome position (GRCh38, 1-based): chr2:15,474,305, G>C on the plus strand (C>G on the coding strand, the complement: NBAS is on the minus strand). VCF-style: chr2-15474305-G-C. GRCh37 (hg19) VCF-style: chr2-15614429-G-C.
Other names: c.1361C>G (NM_015909.3); short protein forms P454R.
Identifiers: ClinVar variation 2139655 (VCV002139655.6), dbSNP rs766319459, ClinGen allele CA1536699.

ClinVar aggregate classification (germline): Conflicting classifications of pathogenicity. Review status: criteria provided, conflicting classifications (1 of 4 stars). 3 submissions from 3 submitters: Uncertain significance (2); Benign (1). Last evaluated 2025-12-08.

Allele frequency attached by ClinVar (database versions not stated): gnomAD 0.00005; ExAC 0.00006; TOPMed 0.00008.
gnomAD v4.1: 56 of 1,613,310 alleles (0.0035%); highest among the groups gnomAD compares: East Asian, 0.12%; no homozygotes.

Submissions (3):

Labcorp Genetics (formerly Invitae), Labcorp
Classification: Benign. Last evaluated: 2025-12-08. Review status: criteria provided, single submitter. Criteria: Invitae Variant Classification Sherloc (09022015). Collection method: clinical testing. Allele origin: germline.

Blueprint Genetics
Classification: Uncertain significance. Last evaluated: 2024-06-18. Review status: criteria provided, single submitter. Criteria: ACMG Guidelines, 2015. Collection method: clinical testing. Allele origin: germline.

Women's Health and Genetics/Laboratory Corporation of America, LabCorp
Classification: Uncertain significance. Last evaluated: 2023-06-19. Review status: criteria provided, single submitter. Criteria: LabCorp Variant Classification Summary - May 2015. Collection method: clinical testing. Allele origin: germline.
Comment: Variant summary: NBAS c.1361C>G (p.Pro454Arg) results in a non-conservative amino acid change in the encoded protein sequence. Three of five in-silico tools predict a benign effect of the variant on protein function. The variant allele was found at a frequency of 6.4e-05 in 249556 control chromosomes (gnomAD). This frequency is not significantly higher than estimated for a pathogenic variant in NBAS causing Liver Failure Acute Infantile, Type 2 (6.4e-05 vs 0.0011), allowing no conclusion about variant significance. c.1361C>G has been reported in the literature in compound heterozygous individuals with features of NBAS-related conditions without indication of acute liver failure and without strong evidence of causality (Li_2020, Bi_2022). These reports do not provide unequivocal conclusions about association of the variant with Liver Failure Acute Infantile, Type 2. To our knowledge, no experimental evidence demonstrating an impact on protein function has been reported. The following publications have been ascertained in the context of this evaluation (PMID: 32812336, 35902954). One submitter has cited a clinical-significance assessment for this variant to ClinVar after 2014 and has classified the variant as benign. Based on the evidence outlined above, the variant was classified as uncertain significance.

Literature cited by the submitters: PubMed 35902954 (cited by Women's Health and Genetics/Laboratory Corporation of America, LabCorp); PubMed 32812336 (cited by Women's Health and Genetics/Laboratory Corporation of America, LabCorp).